The following is an entry in ClinVar:

NM_052859.4(RFT1):c.155C>T (p.Thr52Met)

Gene: RFT1 (RFT1 glycolipid translocator homolog; minus strand). Cytogenetic location: 3p21.1.
Variant type: single nucleotide variant.
Coding change: c.155C>T on transcript NM_052859.4 (MANE Select); coding-DNA position 155, C replaced by T.
Protein change: p.Thr52Met; replaces threonine 52 with methionine.
Molecular consequence: missense variant.
Genome position (GRCh38, 1-based): chr3:53,123,835, G>A on the plus strand (C>T on the coding strand, the complement: RFT1 is on the minus strand). VCF-style: chr3-53123835-G-A. GRCh37 (hg19) VCF-style: chr3-53157851-G-A.
Other names: c.155C>T (NM_052859.3); short protein forms T52M.
Identifiers: ClinVar variation 1441471 (VCV001441471.4), dbSNP rs764531159, ClinGen allele CA2451523.
Genomic context (GRCh38, chr3:53,123,835, plus strand): 5'-CTGAGACATGCTCTGCGGAAGGCCTCTCTGGCCAGGAAGAGGGTGGTTGAGTAAAGCAGC[G>A]TTAGTCTGTAAATGAAAGGGAGAAATCAATAAGGTCTCAAGTTTTTTCATAGAGAGAACT-3'
Protein context (NP_443091.1, residues 42-62): EIVGVVNVRL[Thr52Met]LLYSTTLFLA

ClinVar aggregate classification (germline): Uncertain significance. Review status: criteria provided, multiple submitters, no conflicts (2 of 4 stars). 2 submissions from 2 submitters: Uncertain significance (2). Last evaluated 2024-03-28.

Conditions:
Inborn genetic diseases. Identifiers: MedGen C0950123, MeSH D030342.
RFT1-congenital disorder of glycosylation (CDG1N). Also called: RFT1-CDG; Congenital disorder of glycosylation type In; CDG In. Identifiers: Orphanet 244310, MedGen C2677590, MONDO:0012783, OMIM 612015.

Allele frequency attached by ClinVar (database versions not stated): ExAC 0.00001; gnomAD exomes 0.00001; TOPMed 0.00002.
gnomAD v4.1: 17 of 1,612,918 alleles (0.0011%); highest among the groups gnomAD compares: African/African-American, 0.004%; no homozygotes.

Submissions (2):

Ambry Genetics
Classification: Uncertain significance for Inborn genetic diseases. Last evaluated: 2024-03-28. Review status: criteria provided, single submitter. Criteria: Ambry Variant Classification Scheme 2023. Collection method: clinical testing. Allele origin: germline.

Labcorp Genetics (formerly Invitae), Labcorp
Classification: Uncertain significance for RFT1-congenital disorder of glycosylation. Last evaluated: 2022-07-24. Review status: criteria provided, single submitter. Criteria: Invitae Variant Classification Sherloc (09022015). Collection method: clinical testing. Allele origin: germline.
Comment: This sequence change replaces threonine, which is neutral and polar, with methionine, which is neutral and non-polar, at codon 52 of the RFT1 protein (p.Thr52Met). This variant is present in population databases (rs764531159, gnomAD 0.006%). This variant has not been reported in the literature in individuals affected with RFT1-related conditions. ClinVar contains an entry for this variant (Variation ID: 1441471). Algorithms developed to predict the effect of missense changes on protein structure and function output the following: SIFT: "Tolerated"; PolyPhen-2: "Benign"; Align-GVGD: "Class C0". The methionine amino acid residue is found in multiple mammalian species, which suggests that this missense change does not adversely affect protein function. In summary, the available evidence is currently insufficient to determine the role of this variant in disease. Therefore, it has been classified as a Variant of Uncertain Significance.